The following is an entry in ClinVar:

NM_001003841.3(SLC6A19):c.1734C>T (p.Tyr578=)

Gene: SLC6A19 (solute carrier family 6 member 19; plus strand). Cytogenetic location: 5p15.33.
Variant type: single nucleotide variant.
Coding change: c.1734C>T on transcript NM_001003841.3 (MANE Select); coding-DNA position 1734, C replaced by T.
Protein change: p.Tyr578=; no amino-acid change (tyrosine 578 retained).
Molecular consequence: synonymous variant.
Genome position (GRCh38, 1-based): chr5:1,221,733, C>T. VCF-style: chr5-1221733-C-T. GRCh37 (hg19) VCF-style: chr5-1221848-C-T.
Identifiers: ClinVar variation 3352828 (VCV003352828.1).

ClinVar aggregate classification (germline): Likely benign (0 of 4 stars; one submission).

Conditions:
SLC6A19-related disorder. Also called: SLC6A19-related condition.

gnomAD v4.1: 1 of 1,614,076 alleles (0.000062%); no homozygotes.

Submission:

PreventionGenetics, part of Exact Sciences
Classification: Likely benign for SLC6A19-related condition. Last evaluated: 2019-03-13. Review status: no assertion criteria provided. Collection method: clinical testing. Allele origin: germline.
Comment: This variant is classified as likely benign based on ACMG/AMP sequence variant interpretation guidelines (Richards et al. 2015 PMID: 25741868, with internal and published modifications).